The following is an entry in ClinVar:

ClinVar aggregate classification (germline): Likely benign. Review status: criteria provided, multiple submitters, no conflicts (2 of 4 stars). 4 submissions from 4 submitters: Likely benign (4). Last evaluated 2024-10-31.

Conditions:
Familial thoracic aortic aneurysm and aortic dissection (TAAD). Also called: Thoracic aortic aneurysms and dissections. Identifiers: Orphanet 91387, MedGen C4707243, MONDO:0019625.
Aortic aneurysm, familial thoracic 4 (AAT4). Also called: AORTIC ANEURYSM/AORTIC DISSECTION AND PATENT DUCTUS ARTERIOSUS. Identifiers: MedGen C1851504, MONDO:0007568, OMIM 132900.

Allele frequency attached by ClinVar (database versions not stated): TOPMed below 0.00001; gnomAD 0.00001; gnomAD exomes 0.00001; ESP Exome Variant Server 0.00008.
gnomAD v4.1: 6 of 1,614,052 alleles (0.00037%); highest among the groups gnomAD compares: Non-Finnish European, 0.00051%; no homozygotes.

Submissions (4):

Labcorp Genetics (formerly Invitae), Labcorp
Classification: Likely benign for Aortic aneurysm, familial thoracic 4. Last evaluated: 2024-10-31. Review status: criteria provided, single submitter. Criteria: Invitae Variant Classification Sherloc (09022015). Collection method: clinical testing. Allele origin: germline.

All of Us Research Program, National Institutes of Health
Classification: Likely benign for Familial thoracic aortic aneurysm and aortic dissection. Last evaluated: 2023-11-30. Review status: criteria provided, single submitter. Criteria: ACMG Guidelines, 2015. Collection method: clinical testing. Allele origin: germline. Inheritance: Autosomal dominant inheritance. Observed: 4 variant alleles, 4 heterozygotes.
Comment: This study involves interpretation of variants in research participants for the purpose of population health screening. Participant phenotype was not available at the time of variant classification. Additional details can be found in publication PMID: 35346344, PMCID: PMC8962531

CeGaT Center for Human Genetics Tuebingen
Classification: Likely benign. Last evaluated: 2022-06-01. Review status: criteria provided, single submitter. Criteria: CeGaT Center For Human Genetics Tuebingen Variant Classification Criteria Version 2. Collection method: clinical testing. Allele origin: germline. Affected: yes. Observed: 1 variant allele.
Comment: MYH11: BP4

Color Diagnostics, LLC DBA Color Health
Classification: Likely benign for Familial thoracic aortic aneurysm and aortic dissection. Last evaluated: 2019-09-09. Review status: criteria provided, single submitter. Criteria: ACMG Guidelines, 2015. Collection method: clinical testing. Allele origin: germline.

NM_002474.3(MYH11):c.4074C>T (p.Ala1358=)

Genes: MYH11 (myosin heavy chain 11; minus strand), NDE1 (nudE neurodevelopment protein 1; plus strand). Cytogenetic location: 16p13.11.
Variant type: single nucleotide variant.
Coding change: c.4074C>T on transcript NM_002474.3 (MANE Select); coding-DNA position 4074, C replaced by T.
Protein change: p.Ala1358=; no amino-acid change (alanine 1358 retained).
Molecular consequence: synonymous variant. On other transcripts: 3 prime UTR variant (2).
Genome position (GRCh38, 1-based): chr16:15,724,689, G>A on the plus strand (C>T on the coding strand, the complement: MYH11 is on the minus strand). VCF-style: chr16-15724689-G-A. GRCh37 (hg19) VCF-style: chr16-15818546-G-A.
Other names: c.4095C>T, p.Ala1365= (NM_001040113.2, NM_001040114.2); c.4074C>T, p.Ala1358= (NM_022844.3); c.*438G>A (NM_001143979.2, NM_017668.3).
Identifiers: ClinVar variation 318123 (VCV000318123.43), dbSNP rs370519992, ClinGen allele CA10637240.